The following is an entry in ClinVar:

ClinVar aggregate classification (germline): Uncertain significance (1 of 4 stars; one submission).

Submission:

CeGaT Center for Human Genetics Tuebingen
Classification: Uncertain significance. Last evaluated: 2026-02-01. Review status: criteria provided, single submitter. Criteria: CeGaT Center For Human Genetics Tuebingen Variant Classification Criteria Version 2. Collection method: clinical testing. Allele origin: germline. Affected: yes. Observed: 1 variant allele.
Comment: SCNN1G: PM2, BP4

NM_001039.4(SCNN1G):c.718C>G (p.Gln240Glu)

Gene: SCNN1G (sodium channel epithelial 1 subunit gamma; plus strand). Cytogenetic location: 16p12.2.
Variant type: single nucleotide variant.
Coding change: c.718C>G on transcript NM_001039.4 (MANE Select); coding-DNA position 718, C replaced by G.
Protein change: p.Gln240Glu; replaces glutamine 240 with glutamic acid.
Molecular consequence: missense variant.
Genome position (GRCh38, 1-based): chr16:23,192,451, C>G. VCF-style: chr16-23192451-C-G. GRCh37 (hg19) VCF-style: chr16-23203772-C-G.
Other names: short protein forms Q240E.
Identifiers: ClinVar variation 4823470 (VCV004823470.4).